The following is an entry in ClinVar:

NM_000059.4(BRCA2):c.*839del

Gene: BRCA2 (BRCA2 DNA repair associated; plus strand). Cytogenetic location: 13q13.1.
Variant type: Deletion.
Coding change: c.*839del on transcript NM_000059.4 (MANE Select); 839 bases downstream of the stop codon, one base deleted (T; older notation c.*839delT).
Molecular consequence: 3 prime UTR variant.
Genome position (GRCh38, 1-based): chr13:32,399,609, T deleted; the last of 10 consecutive T bases (chr13:32,399,600-32,399,609); deleting any one gives the same sequence. VCF-style (leftmost placement, unchanged base first): chr13-32399599-AT-A. GRCh37 (hg19) VCF-style: chr13-32973736-AT-A.
Identifiers: ClinVar variation 264887 (VCV000264887.5), dbSNP rs75353978, ClinGen allele CA10588179.

ClinVar aggregate classification (germline): Benign (3 of 4 stars; one submission).

Conditions:
Breast-ovarian cancer, familial, susceptibility to, 2 (BROVCA2). Also called: BRCA2 Hereditary Breast and Ovarian Cancer. Identifiers: Orphanet 145, MedGen C2675520, MONDO:0012933, OMIM 612555. Disease mechanism: loss of function.

Submission:

Evidence-based Network for the Interpretation of Germline Mutant Alleles (ENIGMA)
Classification: Benign for Breast-ovarian cancer, familial, susceptibility to, 2. Last evaluated: 2016-09-28. Review status: reviewed by expert panel. Criteria: ENIGMA BRCA1/2 Classification Criteria (2015). Collection method: curation. Allele origin: germline.
Comment: Class 1 not pathogenic based on frequency >1% in an outbred sampleset. Frequency 0.2107 (European), 0.1989 (African), 0.2017 (Admixed American/Latino), 0.3681 (East Asian), 0.1748 (South Asian), derived from 1000 genomes (2013-05-02).